The following is an entry in ClinVar:

NM_001009999.3(KDM1A):c.2422C>G (p.Pro808Ala)

Gene: KDM1A (lysine demethylase 1A; plus strand). Cytogenetic location: 1p36.12.
Variant type: single nucleotide variant.
Coding change: c.2422C>G on transcript NM_001009999.3 (MANE Select); coding-DNA position 2422, C replaced by G.
Protein change: p.Pro808Ala; replaces proline 808 with alanine.
Molecular consequence: missense variant.
Genome position (GRCh38, 1-based): chr1:23,082,343, C>G. VCF-style: chr1-23082343-C-G. GRCh37 (hg19) VCF-style: chr1-23408836-C-G.
Other names: c.2368C>G, p.Pro790Ala (NM_001363654.2); c.2428C>G, p.Pro810Ala (NM_001410762.1); c.2350C>G, p.Pro784Ala (NM_001410763.1, NM_015013.4); short protein forms P784A, P808A, P790A, P810A.
Identifiers: ClinVar variation 4622642 (VCV004622642.1).

ClinVar aggregate classification (germline): Uncertain significance (1 of 4 stars; one submission).

Conditions:
Inborn genetic diseases. Identifiers: MedGen C0950123, MeSH D030342.

Submission:

Ambry Genetics
Classification: Uncertain significance for Inborn genetic diseases. Last evaluated: 2025-09-17. Review status: criteria provided, single submitter. Criteria: Ambry Variant Classification Scheme 2023. Collection method: clinical testing. Allele origin: germline.
Comment: The p.P808A variant (also known as c.2422C>G), located in coding exon 20 of the KDM1A gene, results from a C to G substitution at nucleotide position 2422. The proline at codon 808 is replaced by alanine, an amino acid with highly similar properties. This amino acid position is conserved. In addition, this alteration is predicted to be tolerated by in silico analysis. Based on the available evidence, the clinical significance of this variant remains unclear.